The following is an entry in ClinVar:

ClinVar aggregate classification (germline): Uncertain significance (1 of 4 stars; one submission).

Conditions:
Hereditary cancer-predisposing syndrome. Also called: Tumor predisposition; Neoplastic Syndromes, Hereditary; Hereditary neoplastic syndrome; Hereditary Cancer Syndrome. Identifiers: Orphanet 140162, MedGen C0027672, MeSH D009386, MONDO:0015356.

Submission:

Color Diagnostics, LLC DBA Color Health
Classification: Uncertain significance for Hereditary cancer-predisposing syndrome. Last evaluated: 2023-12-05. Review status: criteria provided, single submitter. Criteria: ACMG Guidelines, 2015. Collection method: clinical testing. Allele origin: germline.
Comment: This missense variant replaces glutamic acid with glutamine at codon 2979 of the ATM protein. Computational prediction suggests that this variant may not impact protein structure and function (internally defined REVEL score threshold <= 0.5, PMID: 27666373). To our knowledge, functional studies have not been reported for this variant. This variant has not been reported in individuals affected with ATM-related disorders in the literature. This variant has not been identified in the general population by the Genome Aggregation Database (gnomAD). The available evidence is insufficient to determine the role of this variant in disease conclusively. Therefore, this variant is classified as a Variant of Uncertain Significance.

NM_000051.4(ATM):c.8935G>C (p.Glu2979Gln)

Genes: ATM (ATM serine/threonine kinase; plus strand), C11orf65 (chromosome 11 open reading frame 65; minus strand). Cytogenetic location: 11q22.3.
Variant type: single nucleotide variant.
Coding change: c.8935G>C on transcript NM_000051.4 (MANE Select); coding-DNA position 8935, G replaced by C.
Protein change: p.Glu2979Gln; replaces glutamic acid 2979 with glutamine.
Molecular consequence: missense variant. On other transcripts: intron variant (2).
Genome position (GRCh38, 1-based): chr11:108,365,166, G>C. VCF-style: chr11-108365166-G-C. GRCh37 (hg19) VCF-style: chr11-108235893-G-C.
Other names: c.8935G>C, p.Glu2979Gln (NM_001351834.2); c.640+20754C>G (NM_001330368.2); c.694+20754C>G (NM_001351110.2); short protein forms E2979Q.
Identifiers: ClinVar variation 925931 (VCV000925931.5), dbSNP rs992563687, ClinGen allele CA228383590.